The following is an entry in ClinVar:

NM_001963.6(EGF):c.2071G>A (p.Ala691Thr)

Genes: EGF (epidermal growth factor; plus strand), LOC126807134 (BRD4-independent group 4 enhancer GRCh37_chr4:110900995-110902194; plus strand). Cytogenetic location: 4q25.
Variant type: single nucleotide variant.
Coding change: c.2071G>A on transcript NM_001963.6 (MANE Select); coding-DNA position 2071, G replaced by A.
Protein change: p.Ala691Thr; replaces alanine 691 with threonine.
Molecular consequence: missense variant.
Genome position (GRCh38, 1-based): chr4:109,979,989, G>A. VCF-style: chr4-109979989-G-A. GRCh37 (hg19) VCF-style: chr4-110901145-G-A.
Other names: c.2071G>A, p.Ala691Thr (NM_001178130.3); c.1945G>A, p.Ala649Thr (NM_001178131.3, NM_001357021.2); short protein forms A691T, A649T.
Identifiers: ClinVar variation 4703865 (VCV004703865.1).

ClinVar aggregate classification (germline): Uncertain significance (1 of 4 stars; one submission).

gnomAD v4.1: 4 of 1,614,020 alleles (0.00025%); highest among the groups gnomAD compares: South Asian, 0.0011%; no homozygotes.

Submission:

Labcorp Genetics (formerly Invitae), Labcorp
Classification: Uncertain significance. Last evaluated: 2025-02-06. Review status: criteria provided, single submitter. Criteria: Invitae Variant Classification Sherloc (09022015). Collection method: clinical testing. Allele origin: germline.
Comment: This sequence change replaces alanine, which is neutral and non-polar, with threonine, which is neutral and polar, at codon 691 of the EGF protein (p.Ala691Thr). This variant is not present in population databases (gnomAD no frequency). This variant has not been reported in the literature in individuals affected with EGF-related conditions. An algorithm developed to predict the effect of missense changes on protein structure and function (PolyPhen-2) suggests that this variant is likely to be disruptive. In summary, the available evidence is currently insufficient to determine the role of this variant in disease. Therefore, it has been classified as a Variant of Uncertain Significance.